The following is an entry in ClinVar:

ClinVar aggregate classification (germline): Likely pathogenic (1 of 4 stars; one submission).

Submission:

Dasa
Classification: Likely pathogenic. Last evaluated: 2026-04-23. Review status: criteria provided, single submitter. Criteria: DASA Assertion Criteria. Collection method: clinical testing. Allele origin: germline.
Comment: NM_133433.4(NIPBL):c.6954G>C (p.Gln2318His) is a missense variant that results in the substitution of glutamine with histidine. This variant is absent from population databases. Computational evidence supports a deleterious effect. Based on the currently available evidence, this variant is classified as likely pathogenic.

NM_133433.4(NIPBL):c.6954G>C (p.Gln2318His)

Gene: NIPBL (NIPBL cohesin loading factor; plus strand). Cytogenetic location: 5p13.2.
Variant type: single nucleotide variant.
Coding change: c.6954G>C on transcript NM_133433.4 (MANE Select); coding-DNA position 6954, G replaced by C.
Protein change: p.Gln2318His; replaces glutamine 2318 with histidine.
Molecular consequence: missense variant.
Genome position (GRCh38, 1-based): chr5:37,049,301, G>C. VCF-style: chr5-37049301-G-C. GRCh37 (hg19) VCF-style: chr5-37049403-G-C.
Other names: c.6954G>C, p.Gln2318His (NM_001438586.1, NM_015384.5); short protein forms Q2318H.
Identifiers: ClinVar variation 4880836 (VCV004880836.2).